The following is an entry in ClinVar:

ClinVar aggregate classification (germline): Benign (1 of 4 stars; one submission).

Conditions:
Seizures, benign familial neonatal, 2. Also called: CONVULSIONS, BENIGN FAMILIAL NEONATAL, 2; KCNQ3-Related Self-Limited Familial Neonatal Epilepsy (SLFNE); Benign Neonatal Epilepsy 2; KCNQ3-Related Benign Familial Neonatal Epilepsy; Seizures, benign neonatal, 2. Identifiers: Orphanet 1949, MedGen C1852581, MONDO:0007366, OMIM 121201.

Allele frequency attached by ClinVar (database versions not stated): gnomAD 0.00393 and 0.00373; 1000 Genomes Project 30x 0.00656; 1000 Genomes Project 0.00519; TOPMed 0.00426.

Submission:

Illumina Laboratory Services, Illumina
Classification: Benign for Seizures, benign familial neonatal, 2. Last evaluated: 2018-01-12. Review status: criteria provided, single submitter. Criteria: ICSL Variant Classification Criteria 13 December 2019. Collection method: clinical testing. Allele origin: germline.
Comment: This variant was observed in the ICSL laboratory as part of a predisposition screen in an ostensibly healthy population. It had not been previously curated by ICSL or reported in the Human Gene Mutation Database (HGMD: prior to June 1st, 2018), and was therefore a candidate for classification through an automated scoring system. Utilizing variant allele frequency, disease prevalence and penetrance estimates, and inheritance mode, an automated score was calculated to assess if this variant is too frequent to cause the disease. Based on the score and internal cut-off values, a variant classified as benign is not then subjected to further curation. The score for this variant resulted in a classification of benign for this disease.

NM_004519.4(KCNQ3):c.*3544A>G

Gene: KCNQ3 (potassium voltage-gated channel subfamily Q member 3; minus strand). Cytogenetic location: 8q24.22.
Variant type: single nucleotide variant.
Coding change: c.*3544A>G on transcript NM_004519.4 (MANE Select); 3544 bases downstream of the stop codon, A replaced by G.
Molecular consequence: 3 prime UTR variant.
Genome position (GRCh38, 1-based): chr8:132,125,718, T>C on the plus strand (A>G on the coding strand, the complement: KCNQ3 is on the minus strand). VCF-style: chr8-132125718-T-C. GRCh37 (hg19) VCF-style: chr8-133137965-T-C.
Other names: c.*3544A>G (NM_001204824.2).
Identifiers: ClinVar variation 361825 (VCV000361825.6), dbSNP rs61190986, ClinGen allele CA10624759.